The following is an entry in ClinVar:

ClinVar aggregate classification (germline): Uncertain significance (1 of 4 stars; one submission).

Submission:

Labcorp Genetics (formerly Invitae), Labcorp
Classification: Uncertain significance. Last evaluated: 2022-07-31. Review status: criteria provided, single submitter. Criteria: Invitae Variant Classification Sherloc (09022015). Collection method: clinical testing. Allele origin: germline.
Comment: This sequence change falls in intron 16 of the ZNF335 gene. It does not directly change the encoded amino acid sequence of the ZNF335 protein. It affects a nucleotide within the consensus splice site. This variant is not present in population databases (gnomAD no frequency). This variant has not been reported in the literature in individuals affected with ZNF335-related conditions. Variants that disrupt the consensus splice site are a relatively common cause of aberrant splicing (PMID: 17576681, 9536098). Algorithms developed to predict the effect of sequence changes on RNA splicing suggest that this variant may disrupt the consensus splice site. In summary, the available evidence is currently insufficient to determine the role of this variant in disease. Therefore, it has been classified as a Variant of Uncertain Significance.

Literature cited by the submitters: PubMed 17576681; PubMed 9536098.

NM_022095.4(ZNF335):c.2347+5G>A

Gene: ZNF335 (zinc finger protein 335; minus strand). Cytogenetic location: 20q13.12.
Variant type: single nucleotide variant.
Coding change: c.2347+5G>A on transcript NM_022095.4 (MANE Select); 5 bases into the intron after coding-DNA position 2347, G replaced by A.
Molecular consequence: intron variant.
Genome position (GRCh38, 1-based): chr20:45,957,830, C>T on the plus strand (G>A on the coding strand, the complement: ZNF335 is on the minus strand). VCF-style: chr20-45957830-C-T. GRCh37 (hg19) VCF-style: chr20-44586469-C-T.
Identifiers: ClinVar variation 2116837 (VCV002116837.4), dbSNP rs1163309024, ClinGen allele CA744854421.